The following is an entry in ClinVar:

ClinVar aggregate classification (germline): Uncertain significance (1 of 4 stars; one submission).

Allele frequency attached by ClinVar (database versions not stated): gnomAD 0.00001; TOPMed 0.00001; gnomAD exomes 0.00002; ExAC 0.00015; 1000 Genomes Project 30x 0.00016; 1000 Genomes Project 0.00020.

Submission:

Labcorp Genetics (formerly Invitae), Labcorp
Classification: Uncertain significance. Last evaluated: 2022-02-23. Review status: criteria provided, single submitter. Criteria: Invitae Variant Classification Sherloc (09022015). Collection method: clinical testing. Allele origin: germline.
Comment: This variant has not been reported in the literature in individuals affected with LTBP2-related conditions. This variant is present in population databases (rs201158140, gnomAD 0.01%). This sequence change falls in intron 4 of the LTBP2 gene. It does not directly change the encoded amino acid sequence of the LTBP2 protein. It affects a nucleotide within the consensus splice site. Variants that disrupt the consensus splice site are a relatively common cause of aberrant splicing (PMID: 17576681, 9536098). Algorithms developed to predict the effect of sequence changes on RNA splicing suggest that this variant may disrupt the consensus splice site. In summary, the available evidence is currently insufficient to determine the role of this variant in disease. Therefore, it has been classified as a Variant of Uncertain Significance.

Literature cited by the submitters: PubMed 17576681; PubMed 9536098.

NM_000428.3(LTBP2):c.1021+4A>G

Gene: LTBP2 (latent transforming growth factor beta binding protein 2; minus strand). Cytogenetic location: 14q24.3.
Variant type: single nucleotide variant.
Coding change: c.1021+4A>G on transcript NM_000428.3 (MANE Select); 4 bases into the intron after coding-DNA position 1021, A replaced by G.
Molecular consequence: intron variant.
Genome position (GRCh38, 1-based): chr14:74,555,499, T>C on the plus strand (A>G on the coding strand, the complement: LTBP2 is on the minus strand). VCF-style: chr14-74555499-T-C. GRCh37 (hg19) VCF-style: chr14-75022202-T-C.
Identifiers: ClinVar variation 1911958 (VCV001911958.3), dbSNP rs201158140, ClinGen allele CA7270019.
Genomic context (GRCh38, chr14:74,555,499, plus strand): 5'-CAAGGTGGGAGAAGAGAGTTCTAGAGGCCCTGCTCTTCTAGGACCCAAGACAGGGTATCC[T>C]TACCCCAGGGGGATGAGGGGTGCTCCAGAGGTACCGCCTGTTGGGTGCCATCTCTCTGCT-3'